The following is an entry in ClinVar:

ClinVar aggregate classification (germline): Benign (1 of 4 stars; one submission).

Allele frequency attached by ClinVar (database versions not stated): 1000 Genomes Project 30x 0.00219; 1000 Genomes Project 0.00220; TOPMed 0.00446; gnomAD 0.00594; ExAC 0.00642; ESP Exome Variant Server 0.00707; gnomAD exomes 0.00789.
gnomAD v4.1: 12,311 of 1,613,836 alleles (0.76%); highest among the groups gnomAD compares: Non-Finnish European, 0.92%; 78 homozygotes.

Submission:

CeGaT Center for Human Genetics Tuebingen
Classification: Benign. Last evaluated: 2023-02-01. Review status: criteria provided, single submitter. Criteria: CeGaT Center For Human Genetics Tuebingen Variant Classification Criteria Version 2. Collection method: clinical testing. Allele origin: germline. Affected: yes. Observed: 1 variant allele.
Comment: PAPPA: BP4, BP7, BS1, BS2

NM_002581.5(PAPPA):c.4374C>T (p.Cys1458=)

Genes: PAPPA (pappalysin 1; plus strand), PAPPA-AS2 (PAPPA antisense RNA 2; minus strand). Cytogenetic location: 9q33.1.
Variant type: single nucleotide variant.
Coding change: c.4374C>T on transcript NM_002581.5 (MANE Select); coding-DNA position 4374, C replaced by T.
Protein change: p.Cys1458=; no amino-acid change (cysteine 1458 retained).
Molecular consequence: synonymous variant.
Genome position (GRCh38, 1-based): chr9:116,362,618, C>T. VCF-style: chr9-116362618-C-T. GRCh37 (hg19) VCF-style: chr9-119124897-C-T.
Identifiers: ClinVar variation 2659462 (VCV002659462.24), dbSNP rs142931748, ClinGen allele CA5210288.